The following is an entry in ClinVar:

ClinVar aggregate classification (germline): Uncertain significance (1 of 4 stars; one submission).

Conditions:
Alstrom syndrome (ALMS). Identifiers: Orphanet 64, MedGen C0268425, MONDO:0008763, OMIM 203800.

Allele frequency attached by ClinVar (database versions not stated): gnomAD exomes below 0.00001; gnomAD 0.00001; TOPMed 0.00001.
gnomAD v4.1: 6 of 1,613,916 alleles (0.00037%); highest among the groups gnomAD compares: Admixed American, 0.0083%; no homozygotes.

Submission:

Labcorp Genetics (formerly Invitae), Labcorp
Classification: Uncertain significance for Alstrom syndrome. Last evaluated: 2022-10-25. Review status: criteria provided, single submitter. Criteria: Invitae Variant Classification Sherloc (09022015). Collection method: clinical testing. Allele origin: germline.
Comment: This sequence change replaces glycine, which is neutral and non-polar, with glutamic acid, which is acidic and polar, at codon 850 of the ALMS1 protein (p.Gly850Glu). This variant is present in population databases (no rsID available, gnomAD 0.003%). This variant has not been reported in the literature in individuals affected with ALMS1-related conditions. Experimental studies and prediction algorithms are not available or were not evaluated, and the functional significance of this variant is currently unknown. In summary, the available evidence is currently insufficient to determine the role of this variant in disease. Therefore, it has been classified as a Variant of Uncertain Significance.

NM_001378454.1(ALMS1):c.2546G>A (p.Gly849Glu)

Gene: ALMS1 (ALMS1 centrosome and basal body associated protein; plus strand). Cytogenetic location: 2p13.1.
Variant type: single nucleotide variant.
Coding change: c.2546G>A on transcript NM_001378454.1 (MANE Select); coding-DNA position 2546, G replaced by A.
Protein change: p.Gly849Glu; replaces glycine 849 with glutamic acid.
Molecular consequence: missense variant.
Genome position (GRCh38, 1-based): chr2:73,449,073, G>A. VCF-style: chr2-73449073-G-A. GRCh37 (hg19) VCF-style: chr2-73676200-G-A.
Other names: c.2549G>A, p.Gly850Glu (NM_015120.4); short protein forms G849E, G850E.
Identifiers: ClinVar variation 2017465 (VCV002017465.1), dbSNP rs1404980966, ClinGen allele CA347270492.